The following is an entry in ClinVar:

ClinVar aggregate classification (germline): Likely benign (1 of 4 stars; one submission).

gnomAD v4.1: 1,788 of 1,600,762 alleles (0.11%); highest among the groups gnomAD compares: South Asian, 1.5%; 31 homozygotes.

Submission:

GeneDx
Classification: Likely benign. Last evaluated: 2021-05-21. Review status: criteria provided, single submitter. Criteria: GeneDx Variant Classification Process June 2021. Collection method: clinical testing. Allele origin: germline. Affected: yes.
Comment: See Variant Classification Assertion Criteria.

NM_022173.4(TIA1):c.-13G>A

Gene: TIA1 (TIA1 cytotoxic granule associated RNA binding protein; minus strand). Cytogenetic location: 2p13.3.
Variant type: single nucleotide variant.
Coding change: c.-13G>A on transcript NM_022173.4 (MANE Select); 13 bases upstream of the start codon, G replaced by A.
Molecular consequence: 5 prime UTR variant. On other transcripts: non-coding transcript variant (14), intron variant (3).
Genome position (GRCh38, 1-based): chr2:70,248,443, C>T on the plus strand (G>A on the coding strand, the complement: TIA1 is on the minus strand). VCF-style: chr2-70248443-C-T. GRCh37 (hg19) VCF-style: chr2-70475575-C-T.
Other names: c.-13G>A (NM_001351508.2, NM_001351509.2, NM_001351510.2 and 7 more transcripts); c.-111G>A (NM_001351514.2, NM_001351523.2); c.-402G>A (NM_001351515.2); c.-651G>A (NM_001351517.2); c.-428G>A (NM_001351524.2); c.-466G>A (NM_001351525.2); c.-86+220G>A (NM_001351513.1, NM_001351511.1, NM_001351512.1).
Identifiers: ClinVar variation 3340977 (VCV003340977.1).